The following is an entry in ClinVar:

NM_183075.3(CYP2U1):c.1616T>A (p.Ile539Lys)

Gene: CYP2U1 (cytochrome P450 family 2 subfamily U member 1; plus strand). Cytogenetic location: 4q25.
Variant type: single nucleotide variant.
Coding change: c.1616T>A on transcript NM_183075.3 (MANE Select); coding-DNA position 1616, T replaced by A.
Protein change: p.Ile539Lys; replaces isoleucine 539 with lysine.
Molecular consequence: missense variant.
Genome position (GRCh38, 1-based): chr4:107,950,404, T>A. VCF-style: chr4-107950404-T-A. GRCh37 (hg19) VCF-style: chr4-108871560-T-A.
Other names: short protein forms I539K.
Identifiers: ClinVar variation 2417060 (VCV002417060.6), dbSNP rs1442759515, ClinGen allele CA357840176.

ClinVar aggregate classification (germline): Uncertain significance (1 of 4 stars; one submission).

Conditions:
Spastic paraplegia. Identifiers: MedGen C0037772, HP:0001258.

Allele frequency attached by ClinVar (database versions not stated): TOPMed below 0.00001.
gnomAD v4.1: 4 of 1,609,924 alleles (0.00025%); highest among the groups gnomAD compares: Non-Finnish European, 0.00034%; no homozygotes.

Submission:

Labcorp Genetics (formerly Invitae), Labcorp
Classification: Uncertain significance for Spastic paraplegia. Last evaluated: 2022-07-19. Review status: criteria provided, single submitter. Criteria: Invitae Variant Classification Sherloc (09022015). Collection method: clinical testing. Allele origin: germline.
Comment: In summary, the available evidence is currently insufficient to determine the role of this variant in disease. Therefore, it has been classified as a Variant of Uncertain Significance. This sequence change replaces isoleucine, which is neutral and non-polar, with lysine, which is basic and polar, at codon 539 of the CYP2U1 protein (p.Ile539Lys). This variant is present in population databases (no rsID available, gnomAD 0.002%). Advanced modeling of protein sequence and biophysical properties (such as structural, functional, and spatial information, amino acid conservation, physicochemical variation, residue mobility, and thermodynamic stability) performed at Invitae indicates that this missense variant is not expected to disrupt CYP2U1 protein function. This variant has not been reported in the literature in individuals affected with CYP2U1-related conditions.